The following is an entry in ClinVar:

ClinVar aggregate classification (germline): Uncertain significance (1 of 4 stars; one submission).

Submission:

Labcorp Genetics (formerly Invitae), Labcorp
Classification: Uncertain significance. Last evaluated: 2022-12-06. Review status: criteria provided, single submitter. Criteria: Invitae Variant Classification Sherloc (09022015). Collection method: clinical testing. Allele origin: germline.
Comment: This sequence change replaces threonine, which is neutral and polar, with proline, which is neutral and non-polar, at codon 98 of the RASA2 protein (p.Thr98Pro). This variant is not present in population databases (gnomAD no frequency). This variant has not been reported in the literature in individuals affected with RASA2-related conditions. ClinVar contains an entry for this variant (Variation ID: 1414310). Advanced modeling of protein sequence and biophysical properties (such as structural, functional, and spatial information, amino acid conservation, physicochemical variation, residue mobility, and thermodynamic stability) performed at Invitae indicates that this missense variant is not expected to disrupt RASA2 protein function. In summary, the available evidence is currently insufficient to determine the role of this variant in disease. Therefore, it has been classified as a Variant of Uncertain Significance.

NM_006506.5(RASA2):c.292A>C (p.Thr98Pro)

Gene: RASA2 (RAS p21 protein activator 2; plus strand). Cytogenetic location: 3q23.
Variant type: single nucleotide variant.
Coding change: c.292A>C on transcript NM_006506.5 (MANE Select); coding-DNA position 292, A replaced by C.
Protein change: p.Thr98Pro; replaces threonine 98 with proline.
Molecular consequence: missense variant.
Genome position (GRCh38, 1-based): chr3:141,516,368, A>C. VCF-style: chr3-141516368-A-C. GRCh37 (hg19) VCF-style: chr3-141235210-A-C.
Other names: c.292A>C, p.Thr98Pro (NM_001303245.3, NM_001303246.3); short protein forms T98P.
Identifiers: ClinVar variation 1414310 (VCV001414310.6), dbSNP rs2151084234, ClinGen allele CA354780889.